The following is an entry in ClinVar:

ClinVar aggregate classification (germline): Uncertain significance (1 of 4 stars; one submission).

Conditions:
Early-infantile DEE. Also called: Early infantile epileptic encephalopathy with suppression bursts; Early infantile epileptic encephalopathy; Ohtahara syndrome. Identifiers: Orphanet 1934, MedGen C0393706, MONDO:0800491.

Submission:

Labcorp Genetics (formerly Invitae), Labcorp
Classification: Uncertain significance for Early-infantile DEE. Last evaluated: 2024-01-10. Review status: criteria provided, single submitter. Criteria: Invitae Variant Classification Sherloc (09022015). Collection method: clinical testing. Allele origin: germline.
Comment: This sequence change replaces glutamine, which is neutral and polar, with glutamic acid, which is acidic and polar, at codon 1719 of the SCN1A protein (p.Gln1719Glu). This variant is not present in population databases (gnomAD no frequency). This variant has not been reported in the literature in individuals affected with SCN1A-related conditions. Advanced modeling of protein sequence and biophysical properties (such as structural, functional, and spatial information, amino acid conservation, physicochemical variation, residue mobility, and thermodynamic stability) has been performed at Invitae for this missense variant, however the output from this modeling did not meet the statistical confidence thresholds required to predict the impact of this variant on SCN1A protein function. This variant disrupts the p.Gln1719 amino acid residue in SCN1A. Other variant(s) that disrupt this residue have been determined to be pathogenic (Invitae). This suggests that this residue is clinically significant, and that variants that disrupt this residue are likely to be disease-causing. In summary, the available evidence is currently insufficient to determine the role of this variant in disease. Therefore, it has been classified as a Variant of Uncertain Significance.

NM_001165963.4(SCN1A):c.5155C>G (p.Gln1719Glu)

Genes: SCN1A (sodium voltage-gated channel alpha subunit 1; minus strand), LOC102724058 (uncharacterized LOC102724058; plus strand). Cytogenetic location: 2q24.3.
Variant type: single nucleotide variant.
Coding change: c.5155C>G on transcript NM_001165963.4 (MANE Select); coding-DNA position 5155, C replaced by G.
Protein change: p.Gln1719Glu; replaces glutamine 1719 with glutamic acid.
Molecular consequence: missense variant. On other transcripts: non-coding transcript variant (1).
Genome position (GRCh38, 1-based): chr2:165,992,120, G>C on the plus strand (C>G on the coding strand, the complement: SCN1A is on the minus strand). VCF-style: chr2-165992120-G-C. GRCh37 (hg19) VCF-style: chr2-166848630-G-C.
Other names: c.5071C>G, p.Gln1691Glu (NM_001165964.3, NM_001353957.2, NM_001353958.2); c.5155C>G, p.Gln1719Glu (NM_001202435.3, NM_001353948.2); c.5122C>G, p.Gln1708Glu (NM_001353949.2, NM_001353950.2, NM_001353951.2 and 2 more transcripts); c.5119C>G, p.Gln1707Glu (NM_001353954.2, NM_001353955.2); c.5068C>G, p.Gln1690Glu (NM_001353960.2); c.2713C>G, p.Gln905Glu (NM_001353961.2); short protein forms Q1691E, Q1708E, Q1707E, Q905E, Q1690E, Q1719E.
Identifiers: ClinVar variation 2708681 (VCV002708681.3), dbSNP rs2468336627, ClinGen allele CA349068879.
Genomic context (GRCh38, chr2:165,992,120, plus strand): 5'-GTGGCTTACTGTTGAGAATGGGTGCTAGCAATCCATCCCAGCCAGCAGAGGTTGTAATTT[G>C]GAATAGGCAGATCATGCTGTTGCCAAAGGTCTCAAAGTTGAACATGTCATCGATCCCAAC-3'
Protein context (NP_001159435.1, residues 1709-1729): TFGNSMICLF[Gln1719Glu]ITTSAGWDGL